The following is an entry in ClinVar:

ClinVar aggregate classification (germline): Uncertain significance (1 of 4 stars; one submission).

Conditions:
Brachyolmia-amelogenesis imperfecta syndrome. Also called: PLATYSPONDYLY WITH AMELOGENESIS IMPERFECTA; Tooth agenesis, selective, 6; Dental anomalies and short stature. Identifiers: Orphanet 2899, MedGen C1832594, MONDO:0011018, OMIM 601216. Disease mechanism: loss of function.

Submission:

Labcorp Genetics (formerly Invitae), Labcorp
Classification: Uncertain significance for Brachyolmia-amelogenesis imperfecta syndrome. Last evaluated: 2022-10-11. Review status: criteria provided, single submitter. Criteria: Invitae Variant Classification Sherloc (09022015). Collection method: clinical testing. Allele origin: germline.
Comment: This sequence change replaces serine, which is neutral and polar, with cysteine, which is neutral and slightly polar, at codon 1069 of the LTBP3 protein (p.Ser1069Cys). This variant is not present in population databases (gnomAD no frequency). This variant has not been reported in the literature in individuals affected with LTBP3-related conditions. Algorithms developed to predict the effect of missense changes on protein structure and function are either unavailable or do not agree on the potential impact of this missense change (SIFT: "Deleterious"; PolyPhen-2: "Probably Damaging"; Align-GVGD: "Class C0"). In summary, the available evidence is currently insufficient to determine the role of this variant in disease. Therefore, it has been classified as a Variant of Uncertain Significance.

NM_001130144.3(LTBP3):c.3205A>T (p.Ser1069Cys)

Genes: LTBP3 (latent transforming growth factor beta binding protein 3; minus strand), LOC121832793 (Sharpr-MPRA regulatory region 4001; plus strand). Cytogenetic location: 11q13.1.
Variant type: single nucleotide variant.
Coding change: c.3205A>T on transcript NM_001130144.3 (MANE Select); coding-DNA position 3205, A replaced by T.
Protein change: p.Ser1069Cys; replaces serine 1069 with cysteine.
Molecular consequence: missense variant.
Genome position (GRCh38, 1-based): chr11:65,540,284, T>A on the plus strand (A>T on the coding strand, the complement: LTBP3 is on the minus strand). VCF-style: chr11-65540284-T-A. GRCh37 (hg19) VCF-style: chr11-65307755-T-A.
Other names: c.2854A>T, p.Ser952Cys (NM_001164266.1); c.3205A>T, p.Ser1069Cys (NM_021070.4); short protein forms S1069C, S952C.
Identifiers: ClinVar variation 1721429 (VCV001721429.6), dbSNP rs1241024486, ClinGen allele CA381267412.